The following is an entry in ClinVar:

NM_201548.5(CERKL):c.90G>A (p.Pro30=)

Gene: CERKL (CERK like autophagy regulator; minus strand). Cytogenetic location: 2q31.3.
Variant type: single nucleotide variant.
Coding change: c.90G>A on transcript NM_201548.5 (MANE Select); coding-DNA position 90, G replaced by A.
Protein change: p.Pro30=; no amino-acid change (proline 30 retained).
Molecular consequence: synonymous variant. On other transcripts: non-coding transcript variant (2).
Genome position (GRCh38, 1-based): chr2:181,656,917, C>T on the plus strand (G>A on the coding strand, the complement: CERKL is on the minus strand). VCF-style: chr2-181656917-C-T. GRCh37 (hg19) VCF-style: chr2-182521644-C-T.
Other names: c.90G>A, p.Pro30= (NM_001030311.3, NM_001030312.3, NM_001030313.3 and 1 more transcripts).
Identifiers: ClinVar variation 1430688 (VCV001430688.22), dbSNP rs1213574692, ClinGen allele CA430408716.

ClinVar aggregate classification (germline): Likely benign. Review status: criteria provided, multiple submitters, no conflicts (2 of 4 stars). 2 submissions from 2 submitters: Likely benign (2). Last evaluated 2024-09-01.

Allele frequency attached by ClinVar (database versions not stated): gnomAD 0.00001 and 0.00002; TOPMed 0.00001; gnomAD exomes below 0.00001.
gnomAD v4.1: 7 of 1,599,262 alleles (0.00044%); highest among the groups gnomAD compares: Non-Finnish European, 0.00051%; no homozygotes.

Submissions (2):

CeGaT Center for Human Genetics Tuebingen
Classification: Likely benign. Last evaluated: 2024-09-01. Review status: criteria provided, single submitter. Criteria: CeGaT Center For Human Genetics Tuebingen Variant Classification Criteria Version 2. Collection method: clinical testing. Allele origin: germline. Affected: yes. Observed: 1 variant allele.
Comment: CERKL: BP4, BP7

Labcorp Genetics (formerly Invitae), Labcorp
Classification: Likely benign. Last evaluated: 2024-01-16. Review status: criteria provided, single submitter. Criteria: Invitae Variant Classification Sherloc (09022015). Collection method: clinical testing. Allele origin: germline.